The following is an entry in ClinVar:

NM_006087.4(TUBB4A):c.429G>C (p.Thr143=)

Gene: TUBB4A (tubulin beta 4A class IVa; minus strand). Cytogenetic location: 19p13.3.
Variant type: single nucleotide variant.
Coding change: c.429G>C on transcript NM_006087.4 (MANE Select); coding-DNA position 429, G replaced by C.
Protein change: p.Thr143=; no amino-acid change (threonine 143 retained).
Molecular consequence: synonymous variant.
Genome position (GRCh38, 1-based): chr19:6,496,070, C>G on the plus strand (G>C on the coding strand, the complement: TUBB4A is on the minus strand). VCF-style: chr19-6496070-C-G. GRCh37 (hg19) VCF-style: chr19-6496081-C-G.
Other names: c.582G>C, p.Thr194= (NM_001289123.2); c.564G>C, p.Thr188= (NM_001289127.2); c.429G>C, p.Thr143= (NM_001289129.2); c.213G>C, p.Thr71= (NM_001289130.2, NM_001289131.2).
Identifiers: ClinVar variation 668519 (VCV000668519.8), dbSNP rs374559176, ClinGen allele CA304775806.

ClinVar aggregate classification (germline): Likely benign. Review status: criteria provided, multiple submitters, no conflicts (2 of 4 stars). 2 submissions from 2 submitters: Likely benign (2). Last evaluated 2025-06-12.

Conditions:
Leukodystrophy, hypomyelinating, 6. Also called: TUBB4A-Associated Leukodystrophy; Hypomyelination with Atrophy of Basal Ganglia and Cerebellum (H-ABC); LEUKODYSTROPHY, HYPOMYELINATING, WITH ATROPHY OF THE BASAL GANGLIA AND CEREBELLUM. Identifiers: Orphanet 139441, MedGen C2676244, MONDO:0012905, OMIM 612438.

Allele frequency attached by ClinVar (database versions not stated): TOPMed 0.00011.
gnomAD v4.1: 17 of 1,614,084 alleles (0.0011%); highest among the groups gnomAD compares: African/African-American, 0.019%; no homozygotes.

Submissions (2):

Labcorp Genetics (formerly Invitae), Labcorp
Classification: Likely benign for Leukodystrophy, hypomyelinating, 6. Last evaluated: 2025-06-12. Review status: criteria provided, single submitter. Criteria: Invitae Variant Classification Sherloc (09022015). Collection method: clinical testing. Allele origin: germline.

GeneDx
Classification: Likely benign. Last evaluated: 2018-05-16. Review status: criteria provided, single submitter. Criteria: GeneDx Variant Classification (06012015). Collection method: clinical testing. Allele origin: germline. Affected: yes.
Comment: This variant is considered likely benign or benign based on one or more of the following criteria: it is a conservative change, it occurs at a poorly conserved position in the protein, it is predicted to be benign by multiple in silico algorithms, and/or has population frequency not consistent with disease.